The following is an entry in ClinVar:

NM_018062.4(FANCL):c.540+4347G>A

Gene: FANCL (FA complementation group L; minus strand). Cytogenetic location: 2p16.1.
Variant type: single nucleotide variant.
Coding change: c.540+4347G>A on transcript NM_018062.4 (MANE Select); 4347 bases into the intron after coding-DNA position 540, G replaced by A.
Molecular consequence: intron variant. On other transcripts: synonymous variant (2).
Genome position (GRCh38, 1-based): chr2:58,194,247, C>T on the plus strand (G>A on the coding strand, the complement: FANCL is on the minus strand). VCF-style: chr2-58194247-C-T. GRCh37 (hg19) VCF-style: chr2-58421382-C-T.
Other names: c.567G>A, p.Val189= (NM_001374615.1); c.582G>A, p.Val194= (NM_001410792.1); c.555+4332G>A (NM_001114636.2).
Identifiers: ClinVar variation 1711500 (VCV001711500.29), dbSNP rs548438229, ClinGen allele CA48730795.

ClinVar aggregate classification (germline): Likely benign (1 of 4 stars; one submission).

Allele frequency attached by ClinVar (database versions not stated): gnomAD 0.00005; gnomAD exomes 0.00005; TOPMed 0.00006.
gnomAD v4.1: 28 of 470,940 alleles (0.0059%); highest among the groups gnomAD compares: Non-Finnish European, 0.011%; no homozygotes.

Submission:

CeGaT Center for Human Genetics Tuebingen
Classification: Likely benign. Last evaluated: 2022-08-01. Review status: criteria provided, single submitter. Criteria: CeGaT Center For Human Genetics Tuebingen Variant Classification Criteria Version 2. Collection method: clinical testing. Allele origin: germline. Affected: yes. Observed: 1 variant allele.
Comment: FANCL: BP4, BP7